The following is an entry in ClinVar:

NM_001382273.1(TNK2):c.2287C>T (p.Arg763Trp)

Gene: TNK2 (tyrosine kinase non receptor 2; minus strand). Cytogenetic location: 3q29.
Variant type: single nucleotide variant.
Coding change: c.2287C>T on transcript NM_001382273.1 (MANE Select); coding-DNA position 2287, C replaced by T.
Protein change: p.Arg763Trp; replaces arginine 763 with tryptophan.
Molecular consequence: missense variant. On other transcripts: non-coding transcript variant (15).
Genome position (GRCh38, 1-based): chr3:195,868,011, G>A on the plus strand (C>T on the coding strand, the complement: TNK2 is on the minus strand). VCF-style: chr3-195868011-G-A. GRCh37 (hg19) VCF-style: chr3-195594882-G-A.
Other names: c.2359C>T, p.Arg787Trp (NM_001010938.2, NM_001382272.1); c.2338C>T, p.Arg780Trp (NM_001308046.2, NM_001382271.1); c.2287C>T, p.Arg763Trp (NM_001382274.1, NM_001387716.1, NM_001387717.1 and 1 more transcripts); c.2383C>T, p.Arg795Trp (NM_001382275.1, NM_001387707.1); c.2242C>T, p.Arg748Trp (NM_001386164.1, NM_001387709.1, NM_001387710.1 and 8 more transcripts); c.2314C>T, p.Arg772Trp (NM_001387708.1, NM_001387715.1); c.2476C>T (NM_001010938.1); c.2242C>T (NM_005781.4); short protein forms R748W, R763W, R780W, R795W, R772W, R787W.
Identifiers: ClinVar variation 1964120 (VCV001964120.8), dbSNP rs202015088, ClinGen allele CA2775985.
Genomic context (GRCh38, chr3:195,868,011, plus strand): 5'-GGCTGGTCTCCTCCTCGCCCGGGGGGGCTGGAGACAGCTGGACGTGTGGGCGCGTGGGCC[G>A]AGGGGGGATGGGTACCCGAGGAGGCACCTGGGGCTTGTCGTCACCCCCCGGGCTGGGAGA-3'
Protein context (NP_001369202.1, residues 753-773): QVPPRVPIPP[Arg763Trp]PTRPHVQLSP

ClinVar aggregate classification (germline): Conflicting classifications of pathogenicity. Review status: criteria provided, conflicting classifications (1 of 4 stars). 3 submissions from 3 submitters: Uncertain significance (1); Benign (1). 1 of the submissions does not count toward it. Last evaluated 2026-01-06.

Conditions:
TNK2-related disorder. Also called: TNK2-related condition.

Allele frequency attached by ClinVar (database versions not stated): ESP Exome Variant Server 0.00025; 1000 Genomes Project 0.00040; ExAC 0.00082; 1000 Genomes Project 30x 0.00031.
gnomAD v4.1: 635 of 1,577,740 alleles (0.04%); highest among the groups gnomAD compares: East Asian, 0.16%; 4 homozygotes.

Submissions (3):

Labcorp Genetics (formerly Invitae), Labcorp
Classification: Benign. Last evaluated: 2026-01-06. Review status: criteria provided, single submitter. Criteria: Invitae Variant Classification Sherloc (09022015). Collection method: clinical testing. Allele origin: germline.

Ambry Genetics
Classification: Uncertain significance. Last evaluated: 2025-09-25. Review status: criteria provided, single submitter. Criteria: Ambry Variant Classification Scheme 2023. Collection method: clinical testing. Allele origin: germline.

PreventionGenetics, part of Exact Sciences
Classification: Benign for TNK2-related condition. Last evaluated: 2019-10-28. Review status: no assertion criteria provided. Collection method: clinical testing. Allele origin: germline. Not counted in ClinVar's aggregate classification.
Comment: This variant is classified as benign based on ACMG/AMP sequence variant interpretation guidelines (Richards et al. 2015 PMID: 25741868, with internal and published modifications).